The following is an entry in ClinVar:

NM_024642.5(GALNT12):c.1115C>G (p.Ser372Cys)

Gene: GALNT12 (polypeptide N-acetylgalactosaminyltransferase 12; plus strand). Cytogenetic location: 9q22.33.
Variant type: single nucleotide variant.
Coding change: c.1115C>G on transcript NM_024642.5 (MANE Select); coding-DNA position 1115, C replaced by G.
Protein change: p.Ser372Cys; replaces serine 372 with cysteine.
Molecular consequence: missense variant.
Genome position (GRCh38, 1-based): chr9:98,837,051, C>G. VCF-style: chr9-98837051-C-G. GRCh37 (hg19) VCF-style: chr9-101599333-C-G.
Other names: short protein forms S372C.
Identifiers: ClinVar variation 1010252 (VCV001010252.11), dbSNP rs1836170300, ClinGen allele CA374219828.

ClinVar aggregate classification (germline): Uncertain significance. Review status: criteria provided, multiple submitters, no conflicts (2 of 4 stars). 2 submissions from 2 submitters: Uncertain significance (2). Last evaluated 2021-12-29.

gnomAD v4.1: 1 of 1,614,198 alleles (0.000062%); highest among the groups gnomAD compares: Middle Eastern, 0.016%; no homozygotes.

Submissions (2):

Ambry Genetics
Classification: Uncertain significance. Last evaluated: 2021-12-29. Review status: criteria provided, single submitter. Criteria: Ambry Variant Classification Scheme 2023. Collection method: clinical testing. Allele origin: germline.
Comment: The p.S372C variant (also known as c.1115C>G), located in coding exon 6 of the GALNT12 gene, results from a C to G substitution at nucleotide position 1115. The serine at codon 372 is replaced by cysteine, an amino acid with dissimilar properties. This amino acid position is conserved. In addition, this alteration is predicted to be deleterious by in silico analysis. Since supporting evidence is limited at this time, the clinical significance of this alteration remains unclear.

Labcorp Genetics (formerly Invitae), Labcorp
Classification: Uncertain significance. Last evaluated: 2018-06-03. Review status: criteria provided, single submitter. Criteria: Invitae Variant Classification Sherloc (09022015). Collection method: clinical testing. Allele origin: germline.
Comment: This sequence change replaces serine with cysteine at codon 372 of the GALNT12 protein (p.Ser372Cys). The serine residue is highly conserved and there is a moderate physicochemical difference between serine and cysteine. This variant is not present in population databases (ExAC no frequency). This variant has not been reported in the literature in individuals with GALNT12-related disease. Algorithms developed to predict the effect of missense changes on protein structure and function are either unavailable or do not agree on the potential impact of this missense change (SIFT: "Deleterious"; PolyPhen-2: "Probably Damaging"; Align-GVGD: "Class C0"). In summary, the available evidence is currently insufficient to determine the role of this variant in disease. Therefore, it has been classified as a Variant of Uncertain Significance.